The following is an entry in ClinVar:

NM_000094.4(COL7A1):c.4484G>A (p.Gly1495Asp)

Gene: COL7A1 (collagen type VII alpha 1 chain; minus strand). Cytogenetic location: 3p21.31.
Variant type: single nucleotide variant.
Coding change: c.4484G>A on transcript NM_000094.4 (MANE Select); coding-DNA position 4484, G replaced by A.
Protein change: p.Gly1495Asp; replaces glycine 1495 with aspartic acid.
Molecular consequence: missense variant.
Genome position (GRCh38, 1-based): chr3:48,583,047, C>T on the plus strand (G>A on the coding strand, the complement: COL7A1 is on the minus strand). VCF-style: chr3-48583047-C-T. GRCh37 (hg19) VCF-style: chr3-48620480-C-T.
Other names: short protein forms G1495D.
Identifiers: ClinVar variation 4962436 (VCV004962436.2).

ClinVar aggregate classification (germline): Likely pathogenic. Review status: criteria provided, multiple submitters, no conflicts (2 of 4 stars). 2 submissions from 2 submitters: Likely pathogenic (2). Last evaluated 2026-03-31.

Conditions:
Recessive dystrophic epidermolysis bullosa (RDEB). Also called: DYSTROPHIC EPIDERMOLYSIS BULLOSA, AUTOSOMAL RECESSIVE; EPIDERMOLYSIS BULLOSA DYSTROPHICA, HALLOPEAU-SIEMENS TYPE; Hallopeau-Siemens Disease; EPIDERMOLYSIS BULLOSA DYSTROPHICA, GENERALIZED SEVERE, AUTOSOMAL RECESSIVE; severe generalized recessive dystrophic epidermolysis bullosa; epidermolysis bullosa dystrophica, autosomal recessive. Identifiers: Orphanet 79408, Orphanet 79409, MedGen C0079474, MONDO:0009179, OMIM 226600.
COL7A1-related disorder. Also called: COL7A1- related disorders; COL7A1-related condition.

Submissions (2):

Myriad Genetics, Inc.
Classification: Likely pathogenic for Recessive dystrophic epidermolysis bullosa. Last evaluated: 2026-03-31. Review status: criteria provided, single submitter. Criteria: Myriad Autosomal Dominant, Autosomal Recessive and X-Linked Classification Criteria (2023). Collection method: clinical testing. Allele origin: unknown.
Comment: NM_000094.3(COL7A1):c.4484G>A(G1495D) is a missense variant classified as likely pathogenic in the context of dystrophic epidermolysis bullosa. G1495D has been observed in a case with relevant disease (PMID: 39141798). Relevant functional assessments of this variant are not available in the literature. Internal structural analysis of the variant is supportive of pathogenicity. G1495D has not been observed in referenced population frequency databases. In summary, NM_000094.3(COL7A1):c.4484G>A(G1495D) is a missense variant that has been observed more frequently in cases with the relevant disease than in healthy populations. Please note: this variant was assessed in the context of healthy population screening.

Blueprint Genetics
Classification: Likely pathogenic for COL7A1-related disorders. Last evaluated: 2024-03-26. Review status: criteria provided, single submitter. Criteria: ACMG Guidelines, 2015. Collection method: clinical testing. Allele origin: germline. Affected: yes. Observed: 3 variant alleles.

Literature cited by the submitters: PubMed 39141798 (cited by Myriad Genetics, Inc.).